The following is an entry in ClinVar:

NM_001267550.2(TTN):c.42730_42732del (p.Glu14244del)

Gene: TTN (titin; minus strand). Cytogenetic location: 2q31.2.
Variant type: Deletion.
Coding change: c.42730_42732del on transcript NM_001267550.2 (MANE Select); coding-DNA positions 42730 to 42732, 3 bases deleted (GAG; older notation c.42730_42732delGAG).
Protein change: p.Glu14244del; deletes glutamic acid 14244.
Molecular consequence: inframe deletion.
Genome position (GRCh38, 1-based): chr2:178,633,627-178,633,629, CTC deleted on the plus strand (GAG on the coding strand, the reverse complement: TTN is on the minus strand); deleting any 3 consecutive bases within chr2:178,633,627-178,633,630 gives the same sequence; the c. name uses the placement nearest the transcript's 3' end. VCF-style (leftmost placement, unchanged base first): chr2-178633626-TCTC-T. GRCh37 (hg19) VCF-style: chr2-179498353-TCTC-T.
Other names: c.37807_37809del, p.Glu12603del (NM_001256850.1); c.15535_15537del, p.Glu5179del (NM_003319.4); c.35026_35028del, p.Glu11676del (NM_133378.4); c.15910_15912del, p.Glu5304del (NM_133432.3); c.16111_16113del, p.Glu5371del (NM_133437.4); short protein forms E11676del, E12603del, E14244del, E5179del, E5304del, E5371del.
Identifiers: ClinVar variation 1328789 (VCV001328789.2), dbSNP rs2154225753, ClinGen allele CA2573051792.
Genomic context (GRCh38, chr2:178,633,626, plus strand): 5'-CTTTGAACCATTTCACTGGTACATCTTTGCTCACTTCACACTTCAAAGTAATCTCATCCT[TCTC>T]CACTGCAGTTTTGTCATGTAATTTCACAGTGAAGTAGGGATCGGCCTCTGTAAAAGACAT-3'

ClinVar aggregate classification (germline): Uncertain significance (1 of 4 stars; one submission).

Submission:

GeneDx
Classification: Uncertain significance. Last evaluated: 2021-06-16. Review status: criteria provided, single submitter. Criteria: GeneDx Variant Classification Process June 2021. Collection method: clinical testing. Allele origin: germline. Affected: yes.
Comment: This variant is associated with the following publications: (PMID: 27535533)